The following is an entry in ClinVar:

NM_006231.4(POLE):c.4678G>A (p.Asp1560Asn)

Gene: POLE (DNA polymerase epsilon, catalytic subunit; minus strand). Cytogenetic location: 12q24.33.
Variant type: single nucleotide variant.
Coding change: c.4678G>A on transcript NM_006231.4 (MANE Select); coding-DNA position 4678, G replaced by A.
Protein change: p.Asp1560Asn; replaces aspartic acid 1560 with asparagine.
Molecular consequence: missense variant.
Genome position (GRCh38, 1-based): chr12:132,642,870, C>T on the plus strand (G>A on the coding strand, the complement: POLE is on the minus strand). VCF-style: chr12-132642870-C-T. GRCh37 (hg19) VCF-style: chr12-133219456-C-T.
Other names: short protein forms D1560N.
Identifiers: ClinVar variation 3308421 (VCV003308421.1).

ClinVar aggregate classification (germline): Uncertain significance (1 of 4 stars; one submission).

Conditions:
Hereditary cancer-predisposing syndrome. Also called: Neoplastic Syndromes, Hereditary; Tumor predisposition; Hereditary neoplastic syndrome; Hereditary Cancer Syndrome. Identifiers: Orphanet 140162, MedGen C0027672, MeSH D009386, MONDO:0015356.

Submission:

Ambry Genetics
Classification: Uncertain significance for Hereditary cancer-predisposing syndrome. Last evaluated: 2024-05-20. Review status: criteria provided, single submitter. Criteria: Ambry Variant Classification Scheme 2023. Collection method: clinical testing. Allele origin: germline.
Comment: The p.D1560N variant (also known as c.4678G>A), located in coding exon 36 of the POLE gene, results from a G to A substitution at nucleotide position 4678. The aspartic acid at codon 1560 is replaced by asparagine, an amino acid with highly similar properties. This amino acid position is conserved. In addition, this alteration is predicted to be tolerated by in silico analysis. Based on the available evidence, the clinical significance of this variant remains unclear.